The following is an entry in ClinVar:

ClinVar aggregate classification (germline): Uncertain significance (1 of 4 stars; one submission).

Allele frequency attached by ClinVar (database versions not stated): ExAC 0.00002; ESP Exome Variant Server 0.00015.
gnomAD v4.1: 7 of 1,613,292 alleles (0.00043%); highest among the groups gnomAD compares: African/African-American, 0.0093%; no homozygotes.

Submission:

Labcorp Genetics (formerly Invitae), Labcorp
Classification: Uncertain significance. Last evaluated: 2025-01-27. Review status: criteria provided, single submitter. Criteria: Invitae Variant Classification Sherloc (09022015). Collection method: clinical testing. Allele origin: germline.
Comment: This sequence change replaces isoleucine, which is neutral and non-polar, with valine, which is neutral and non-polar, at codon 132 of the PIGP protein (p.Ile132Val). This variant is present in population databases (rs200401315, gnomAD 0.01%). This variant has not been reported in the literature in individuals affected with PIGP-related conditions. ClinVar contains an entry for this variant (Variation ID: 1962003). An algorithm developed to predict the effect of missense changes on protein structure and function outputs the following: PolyPhen-2: "Benign". The valine amino acid residue is found in multiple mammalian species, which suggests that this missense change does not adversely affect protein function. In summary, the available evidence is currently insufficient to determine the role of this variant in disease. Therefore, it has been classified as a Variant of Uncertain Significance.

NM_153682.3(PIGP):c.322A>G (p.Ile108Val)

Gene: PIGP (phosphatidylinositol glycan anchor biosynthesis class P; minus strand). Cytogenetic location: 21q22.13.
Variant type: single nucleotide variant.
Coding change: c.322A>G on transcript NM_153682.3 (MANE Select); coding-DNA position 322, A replaced by G.
Protein change: p.Ile108Val; replaces isoleucine 108 with valine.
Molecular consequence: missense variant.
Genome position (GRCh38, 1-based): chr21:37,065,665, T>C on the plus strand (A>G on the coding strand, the complement: PIGP is on the minus strand). VCF-style: chr21-37065665-T-C. GRCh37 (hg19) VCF-style: chr21-38437965-T-C.
Other names: c.322A>G, p.Ile108Val (NM_001320480.2); c.244A>G, p.Ile82Val (NM_016430.4); c.394A>G, p.Ile132Val (NM_153681.2); short protein forms I108V, I132V, I82V.
Identifiers: ClinVar variation 1962003 (VCV001962003.4), dbSNP rs200401315, ClinGen allele CA10021033.
Genomic context (GRCh38, chr21:37,065,665, plus strand): 5'-TGGCTGCAAGAAAGAACATTTGGTTTACTTCACTAATAGAAATATCTCTTAAGGCTGGAA[T>C]GGCCTCCTCTTGGTATTTCTTCTGCTGTTGATTTTTTGCATAGTTATCTGTAAGAAAAGA-3'
Protein context (NP_710149.1, residues 98-118): QQQKKYQEEA[Ile108Val]PALRDISISE